The following is an entry in ClinVar:

ClinVar aggregate classification (germline): Pathogenic (1 of 4 stars; one submission).

Conditions:
CEP290-related ciliopathy. Also called: CEP290 ciliopathy. Identifiers: MedGen CN305601, MONDO:0100451.

Submission:

Myriad Genetics, Inc.
Classification: Pathogenic for CEP290-related ciliopathy. Last evaluated: 2025-04-03. Review status: criteria provided, single submitter. Criteria: Myriad Autosomal Dominant, Autosomal Recessive and X-Linked Classification Criteria (2023). Collection method: clinical testing. Allele origin: unknown.
Comment: NM_025114.3(CEP290):c.6487delA(M2163Wfs*11) is expected to be pathogenic in the context of CEP290-related disorders. This variant is predicted to lead to an abnormal or absent protein product due to the creation of a premature termination codon in CEP290, a gene where loss-of-function variants are known to be pathogenic. Please note: this variant was assessed in the context of healthy population screening.

NM_025114.4(CEP290):c.6487del (p.Met2163fs)

Gene: CEP290 (centrosomal protein 290; minus strand). Cytogenetic location: 12q21.32.
Variant type: Deletion.
Coding change: c.6487del on transcript NM_025114.4 (MANE Select); coding-DNA position 6487, one base deleted (A; older notation c.6487delA).
Protein change: p.Met2163fs; shifts the reading frame from methionine 2163.
Molecular consequence: frameshift variant.
Genome position (GRCh38, 1-based): chr12:88,060,865, T deleted on the plus strand (A on the coding strand, the reverse complement: CEP290 is on the minus strand); the first of 6 consecutive T bases (chr12:88,060,865-88,060,870); deleting any one gives the same sequence. VCF-style (leftmost placement, unchanged base first): chr12-88060864-AT-A. GRCh37 (hg19) VCF-style: chr12-88454641-AT-A.
Other names: short protein forms M2163fs.
Identifiers: ClinVar variation 5014299 (VCV005014299.1).